The following is an entry in ClinVar:

ClinVar aggregate classification (germline): Uncertain significance. Review status: criteria provided, multiple submitters, no conflicts (2 of 4 stars). 4 submissions from 4 submitters: Uncertain significance (4). Last evaluated 2025-10-22.

Conditions:
Cardiomyopathy, familial hypertrophic 27. Identifiers: MedGen C4748014, MONDO:0054838, OMIM 618052.
Cardiovascular phenotype. Identifiers: MedGen CN230736.

Allele frequency attached by ClinVar (database versions not stated): TOPMed below 0.00001; ExAC 0.00001; gnomAD 0.00001; gnomAD exomes 0.00001.
gnomAD v4.1: 5 of 1,613,948 alleles (0.00031%); highest among the groups gnomAD compares: Non-Finnish European, 0.00042%; no homozygotes.

Submissions (4):

Labcorp Genetics (formerly Invitae), Labcorp
Classification: Uncertain significance. Last evaluated: 2025-10-22. Review status: criteria provided, single submitter. Criteria: Invitae Variant Classification Sherloc (09022015). Collection method: clinical testing. Allele origin: germline.
Comment: This sequence change replaces cysteine, which is neutral and slightly polar, with tyrosine, which is neutral and polar, at codon 1548 of the ALPK3 protein (p.Cys1548Tyr). This variant is not present in population databases (gnomAD no frequency). This variant has not been reported in the literature in individuals affected with ALPK3-related conditions. ClinVar contains an entry for this variant (Variation ID: 1742130). Invitae Evidence Modeling of protein sequence and biophysical properties (such as structural, functional, and spatial information, amino acid conservation, physicochemical variation, residue mobility, and thermodynamic stability) indicates that this missense variant is expected to disrupt ALPK3 protein function with a positive predictive value of 80%. In summary, the available evidence is currently insufficient to determine the role of this variant in disease. Therefore, it has been classified as a Variant of Uncertain Significance.

GeneDx
Classification: Uncertain significance. Last evaluated: 2024-03-18. Review status: criteria provided, single submitter. Criteria: GeneDx Variant Classification Process June 2021. Collection method: clinical testing. Allele origin: germline. Affected: yes.
Comment: Has not been previously published as pathogenic or benign to our knowledge; Not observed at significant frequency in large population cohorts (gnomAD); In silico analysis supports that this missense variant has a deleterious effect on protein structure/function

Ambry Genetics
Classification: Uncertain significance for Cardiovascular phenotype. Last evaluated: 2022-11-17. Review status: criteria provided, single submitter. Criteria: Ambry Variant Classification Scheme 2023. Collection method: clinical testing. Allele origin: germline.

Baylor Genetics
Classification: Uncertain significance for Cardiomyopathy, familial hypertrophic 27. Last evaluated: 2021-03-25. Review status: criteria provided, single submitter. Criteria: ACMG Guidelines, 2015. Collection method: clinical testing. Allele origin: unknown.

NM_020778.5(ALPK3):c.4037G>A (p.Cys1346Tyr)

Gene: ALPK3 (alpha kinase 3; plus strand). Cytogenetic location: 15q25.3.
Variant type: single nucleotide variant.
Coding change: c.4037G>A on transcript NM_020778.5 (MANE Select); coding-DNA position 4037, G replaced by A.
Protein change: p.Cys1346Tyr; replaces cysteine 1346 with tyrosine.
Molecular consequence: missense variant.
Genome position (GRCh38, 1-based): chr15:84,859,847, G>A. VCF-style: chr15-84859847-G-A. GRCh37 (hg19) VCF-style: chr15-85403078-G-A.
Other names: short protein forms C1346Y.
Identifiers: ClinVar variation 1742130 (VCV001742130.8), dbSNP rs774100477, ClinGen allele CA7709814.
Genomic context (GRCh38, chr15:84,859,847, plus strand): 5'-AGGGGCCGGCGGCCTTGGCCATCGTGCAGGCCTCCCCCGTAGACTGCGGTGTGTATCGGT[G>A]CACCATCCACAATGAGCACGGCTCGGCCTCCACCGACTTCTGCCTCAGCCCTGAGGGTGA-3'
Protein context (NP_065829.4, residues 1336-1356): ASPVDCGVYR[Cys1346Tyr]TIHNEHGSAS